The following is an entry in ClinVar:

NM_014244.5(ADAMTS2):c.234_238del (p.Thr79fs)

Gene: ADAMTS2 (ADAM metallopeptidase with thrombospondin type 1 motif 2; minus strand). Cytogenetic location: 5q35.3.
Variant type: Deletion.
Coding change: c.234_238del on transcript NM_014244.5 (MANE Select); coding-DNA positions 234 to 238, 5 bases deleted (TACGT; older notation c.234_238delTACGT).
Protein change: p.Thr79fs; shifts the reading frame from threonine 79.
Molecular consequence: frameshift variant.
Genome position (GRCh38, 1-based): chr5:179,344,063-179,344,067, ACGTA deleted on the plus strand (TACGT on the coding strand, the reverse complement: ADAMTS2 is on the minus strand). VCF-style (leftmost placement, unchanged base first): chr5-179344062-GACGTA-G. GRCh37 (hg19) VCF-style: chr5-178771063-GACGTA-G.
Other names: c.234_238del, p.Thr79fs (NM_021599.4); short protein forms T79fs.
Identifiers: ClinVar variation 5015477 (VCV005015477.1).
Genomic context (GRCh38, chr5:179,344,062, plus strand): 5'-CCTCCGGGGAAGCTCGGGGTCCGGACCGGGGCGGCCCTGCGGGCTCGTACCCCTGCTCTG[GACGTA>G]GCTGCCGACACCACGTGGGACACCAAGCGGCCCTGGGCGTCAGTGCGCACGGGCACCGCC-3'

ClinVar aggregate classification (germline): Pathogenic (1 of 4 stars; one submission).

Conditions:
Ehlers-Danlos syndrome, dermatosparaxis type. Also called: EDS VIIC; Dermatosparaxis; Ehlers-Danlos syndrome, type VII, autosomal recessive. Identifiers: Orphanet 1901, MedGen C2700425, MONDO:0009161, OMIM 225410.

Submission:

Myriad Genetics, Inc.
Classification: Pathogenic for Ehlers-Danlos syndrome, dermatosparaxis type. Last evaluated: 2026-01-24. Review status: criteria provided, single submitter. Criteria: Myriad Autosomal Dominant, Autosomal Recessive and X-Linked Classification Criteria (2023). Collection method: clinical testing. Allele origin: unknown.
Comment: NM_014244.4(ADAMTS2):c.234_238del5(T79Qfs*124) is expected to be pathogenic in the context of Ehlers-Danlos syndrome, ADAMTS2-related. This variant is predicted to lead to an abnormal or absent protein product due to the creation of a premature termination codon in ADAMTS2, a gene where loss-of-function variants are known to be pathogenic. Please note: this variant was assessed in the context of healthy population screening.